The following is an entry in ClinVar:

ClinVar aggregate classification (germline): Conflicting classifications of pathogenicity. Review status: criteria provided, conflicting classifications (1 of 4 stars). 2 submissions from 2 submitters: Likely pathogenic (1); Uncertain significance (1). Last evaluated 2025-02-03.

Conditions:
Leber congenital amaurosis 6 (LCA6). Identifiers: Orphanet 65, MedGen C1854260, MONDO:0013446, OMIM 613826.
Cone-rod dystrophy 13 (CORD13). Identifiers: Orphanet 1872, MedGen C2750720, MONDO:0011987, OMIM 608194.
Leber congenital amaurosis 1 (LCA1). Also called: RETINAL BLINDNESS, CONGENITAL; AMAUROSIS CONGENITA OF LEBER I; Congenital absence of the rods and cones; Leber's congenital tapetoretinal degeneration; Leber's congenital tapetoretinal dysplasia. Identifiers: Orphanet 65, MedGen C2931258, MONDO:0008764, OMIM 204000.

Allele frequency attached by ClinVar (database versions not stated): ExAC 0.00001; gnomAD 0.00001; gnomAD exomes 0.00001 and 0.00002; TOPMed 0.00002.

Submissions (2):

Labcorp Genetics (formerly Invitae), Labcorp
Classification: Uncertain significance for Leber congenital amaurosis 6; Cone-rod dystrophy 13. Last evaluated: 2025-02-03. Review status: criteria provided, single submitter. Criteria: Invitae Variant Classification Sherloc (09022015). Collection method: clinical testing. Allele origin: germline.
Comment: This sequence change replaces arginine, which is basic and polar, with glutamine, which is neutral and polar, at codon 267 of the RPGRIP1 protein (p.Arg267Gln). This variant also falls at the last nucleotide of exon 5, which is part of the consensus splice site for this exon. This variant is present in population databases (rs758239674, gnomAD 0.01%). This missense change has been observed in individual(s) with leber congenital amaurosis (PMID: 32865313). ClinVar contains an entry for this variant (Variation ID: 803001). An algorithm developed to predict the effect of missense changes on protein structure and function (PolyPhen-2) suggests that this variant is likely to be disruptive. Variants that disrupt the consensus splice site are a relatively common cause of aberrant splicing (PMID: 17576681, 9536098). Algorithms developed to predict the effect of sequence changes on RNA splicing suggest that this variant may disrupt the consensus splice site. In summary, the available evidence is currently insufficient to determine the role of this variant in disease. Therefore, it has been classified as a Variant of Uncertain Significance.

Mendelics
Classification: Likely pathogenic for Leber congenital amaurosis 1. Last evaluated: 2019-05-28. Review status: criteria provided, single submitter. Criteria: Mendelics Assertion Criteria 2017. Collection method: clinical testing. Allele origin: unknown.

Literature cited by the submitters: PubMed 32865313 (cited by Labcorp Genetics (formerly Invitae), Labcorp); PubMed 17576681 (cited by Labcorp Genetics (formerly Invitae), Labcorp); PubMed 9536098 (cited by Labcorp Genetics (formerly Invitae), Labcorp).

NM_020366.4(RPGRIP1):c.800G>A (p.Arg267Gln)

Gene: RPGRIP1 (RPGR interacting protein 1; plus strand). Cytogenetic location: 14q11.2.
Variant type: single nucleotide variant.
Coding change: c.800G>A on transcript NM_020366.4 (MANE Select); coding-DNA position 800, G replaced by A.
Protein change: p.Arg267Gln; replaces arginine 267 with glutamine.
Molecular consequence: missense variant.
Genome position (GRCh38, 1-based): chr14:21,303,543, G>A. VCF-style: chr14-21303543-G-A. GRCh37 (hg19) VCF-style: chr14-21771702-G-A.
Other names: short protein forms R267Q.
Identifiers: ClinVar variation 803001 (VCV000803001.6), dbSNP rs758239674, ClinGen allele CA7088744.